The following is an entry in ClinVar:

ClinVar aggregate classification (germline): Uncertain significance (1 of 4 stars; one submission).

Conditions:
Dilated cardiomyopathy 2B. Identifiers: Orphanet 154, MedGen C3553409, MONDO:0013848, OMIM 614672.

Submission:

Labcorp Genetics (formerly Invitae), Labcorp
Classification: Uncertain significance for Dilated cardiomyopathy 2B. Last evaluated: 2019-05-30. Review status: criteria provided, single submitter. Criteria: Invitae Variant Classification Sherloc (09022015). Collection method: clinical testing. Allele origin: germline.
Comment: In summary, the available evidence is currently insufficient to determine the role of this variant in disease. Therefore, it has been classified as a Variant of Uncertain Significance. Algorithms developed to predict the effect of missense changes on protein structure and function (SIFT, PolyPhen-2, Align-GVGD) all suggest that this variant is likely to be disruptive, but these predictions have not been confirmed by published functional studies and their clinical significance is uncertain. This variant has not been reported in the literature in individuals with GATAD1-related conditions. This variant is not present in population databases (ExAC no frequency). This sequence change replaces arginine with lysine at codon 118 of the GATAD1 protein (p.Arg118Lys). The arginine residue is highly conserved and there is a small physicochemical difference between arginine and lysine.

NM_021167.5(GATAD1):c.353G>A (p.Arg118Lys)

Gene: GATAD1 (GATA zinc finger domain containing 1; plus strand). Cytogenetic location: 7q21.2.
Variant type: single nucleotide variant.
Coding change: c.353G>A on transcript NM_021167.5 (MANE Select); coding-DNA position 353, G replaced by A.
Protein change: p.Arg118Lys; replaces arginine 118 with lysine.
Molecular consequence: missense variant. On other transcripts: non-coding transcript variant (1).
Genome position (GRCh38, 1-based): chr7:92,448,855, G>A. VCF-style: chr7-92448855-G-A. GRCh37 (hg19) VCF-style: chr7-92078169-G-A.
Other names: short protein forms R118K.
Identifiers: ClinVar variation 942669 (VCV000942669.9), dbSNP rs1789292576, ClinGen allele CA368157208.